The following is an entry in ClinVar:

ClinVar aggregate classification (germline): Conflicting classifications of pathogenicity. Review status: criteria provided, conflicting classifications (1 of 4 stars). 10 submissions from 9 submitters: Uncertain significance (7); Likely benign (2). 1 of the submissions does not count toward it. Last evaluated 2026-05-12.

Conditions:
Inborn genetic diseases. Identifiers: MedGen C0950123, MeSH D030342.
Retinitis pigmentosa (RP). Identifiers: Orphanet 791, MedGen C0035334, MeSH D012174, MONDO:0019200, OMIM 268000. Inheritance: Autosomal dominant, autosomal recessive and X linked inheritance.
USH2A-related disorder. Also called: USH2A-related disorders; USH2A-related condition. Identifiers: MedGen CN239332.
Usher syndrome type 2A. Also called: RETINAL DISEASE IN USHER SYNDROME TYPE IIA, MODIFIER OF; USHER SYNDROME, TYPE IIA. Identifiers: Orphanet 231178, Orphanet 886, MedGen C1848634, MONDO:0010169, OMIM 276901.

Allele frequency attached by ClinVar (database versions not stated): gnomAD exomes 0.00006 and 0.00008; ExAC 0.00008; ESP Exome Variant Server 0.00008; TOPMed 0.00009; gnomAD 0.00010; 1000 Genomes Project 0.00020; 1000 Genomes Project 30x 0.00031.
gnomAD v4.1: 133 of 1,613,788 alleles (0.0082%); highest among the groups gnomAD compares: Non-Finnish European, 0.011%; no homozygotes.

Submissions (10):

PreventionGenetics, part of Exact Sciences
Classification: Uncertain significance for USH2A-related condition. Last evaluated: 2026-05-12. Review status: criteria provided, single submitter. Criteria: ACMG Guidelines, 2015. Collection method: clinical testing. Allele origin: germline.
Comment: The USH2A c.4445C>T variant is predicted to result in the amino acid substitution p.Thr1482Ile. To our knowledge, this variant has not been reported in the literature. This variant is reported in 0.0093% of alleles in individuals of European (Non-Finnish) descent in gnomAD. At this time, the clinical significance of this variant is uncertain due to the absence of conclusive functional and genetic evidence.

Labcorp Genetics (formerly Invitae), Labcorp
Classification: Likely benign. Last evaluated: 2026-01-06. Review status: criteria provided, single submitter. Criteria: Invitae Variant Classification Sherloc (09022015). Collection method: clinical testing. Allele origin: germline.

Ambry Genetics
Classification: Uncertain significance for Inborn genetic diseases. Last evaluated: 2024-03-12. Review status: criteria provided, single submitter. Criteria: Ambry Variant Classification Scheme 2023. Collection method: clinical testing. Allele origin: germline.

Blueprint Genetics
Classification: Uncertain significance. Last evaluated: 2022-11-25. Review status: criteria provided, single submitter. Criteria: ACMG Guidelines, 2015. Collection method: clinical testing. Allele origin: germline.

Mayo Clinic Laboratories, Mayo Clinic
Classification: Uncertain significance. Last evaluated: 2022-11-04. Review status: criteria provided, single submitter. Criteria: ACMG Guidelines, 2015. Collection method: clinical testing. Allele origin: germline. Observed: 1 variant allele.
Comment: BP4, PM2

Greenwood Genetic Center Diagnostic Laboratories, Greenwood Genetic Center
Classification: Uncertain significance. Last evaluated: 2021-06-17. Review status: criteria provided, single submitter. Criteria: ACMG Guidelines, 2015. Collection method: clinical testing. Allele origin: germline. Affected: yes.
Comment: BP4, PM3_Supporting

GeneDx
Classification: Likely benign. Last evaluated: 2018-03-28. Review status: criteria provided, single submitter. Criteria: GeneDx Variant Classification (06012015). Collection method: clinical testing. Allele origin: germline. Affected: yes.
Comment: This variant is considered likely benign or benign based on one or more of the following criteria: it is a conservative change, it occurs at a poorly conserved position in the protein, it is predicted to be benign by multiple in silico algorithms, and/or has population frequency not consistent with disease.

Illumina Laboratory Services, Illumina
Classification: Uncertain significance for Usher syndrome type 2A. Last evaluated: 2018-01-12. Review status: criteria provided, single submitter. Criteria: ICSL Variant Classification Criteria 13 December 2019. Collection method: clinical testing. Allele origin: germline.

Illumina Laboratory Services, Illumina
Classification: Uncertain significance for Retinitis pigmentosa. Last evaluated: 2018-01-12. Review status: criteria provided, single submitter. Criteria: ICSL Variant Classification Criteria 13 December 2019. Collection method: clinical testing. Allele origin: germline.

Natera, Inc.
Classification: Likely benign for Usher syndrome type 2A. Last evaluated: 2019-11-11. Review status: no assertion criteria provided. Collection method: clinical testing. Allele origin: germline. Not counted in ClinVar's aggregate classification.

NM_206933.4(USH2A):c.4445C>T (p.Thr1482Ile)

Gene: USH2A (usherin; minus strand). Cytogenetic location: 1q41.
Variant type: single nucleotide variant.
Coding change: c.4445C>T on transcript NM_206933.4 (MANE Select); coding-DNA position 4445, C replaced by T.
Protein change: p.Thr1482Ile; replaces threonine 1482 with isoleucine.
Molecular consequence: missense variant.
Genome position (GRCh38, 1-based): chr1:216,175,434, G>A on the plus strand (C>T on the coding strand, the complement: USH2A is on the minus strand). VCF-style: chr1-216175434-G-A. GRCh37 (hg19) VCF-style: chr1-216348776-G-A.
Other names: p.Thr1482Ile; c.4445C>T, p.Thr1482Ile (NM_007123.6); short protein forms T1482I.
Identifiers: ClinVar variation 295422 (VCV000295422.25), dbSNP rs200790812, ClinGen allele CA1395708.